The following is an entry in ClinVar:

ClinVar aggregate classification (germline): Uncertain significance. Review status: criteria provided, multiple submitters, no conflicts (2 of 4 stars). 2 submissions from 2 submitters: Uncertain significance (2). Last evaluated 2024-08-03.

Conditions:
Familial hypocalciuric hypercalcemia (FHH). Also called: Familial benign hypercalcemia. Identifiers: Orphanet 405, MedGen C1809471, MONDO:0018458.
Autosomal dominant hypocalcemia 1 (HYPOC1). Also called: HYPOCALCEMIA, FAMILIAL. Identifiers: MedGen C3715128, MONDO:0011013, OMIM 601198.
Nephrolithiasis/nephrocalcinosis. Identifiers: MedGen CN580796.

Allele frequency attached by ClinVar (database versions not stated): TOPMed below 0.00001.
gnomAD v4.1: 25 of 1,614,238 alleles (0.0015%); highest among the groups gnomAD compares: East Asian, 0.056%; no homozygotes.

Submissions (2):

Labcorp Genetics (formerly Invitae), Labcorp
Classification: Uncertain significance for Familial hypocalciuric hypercalcemia; Autosomal dominant hypocalcemia 1. Last evaluated: 2024-08-03. Review status: criteria provided, single submitter. Criteria: Invitae Variant Classification Sherloc (09022015). Collection method: clinical testing. Allele origin: germline.
Comment: This sequence change replaces glutamine, which is neutral and polar, with proline, which is neutral and non-polar, at codon 1001 of the CASR protein (p.Gln1001Pro). This variant is not present in population databases (gnomAD no frequency). This variant has not been reported in the literature in individuals affected with CASR-related conditions. ClinVar contains an entry for this variant (Variation ID: 532582). An algorithm developed to predict the effect of missense changes on protein structure and function (PolyPhen-2) suggests that this variant is likely to be tolerated. In summary, the available evidence is currently insufficient to determine the role of this variant in disease. Therefore, it has been classified as a Variant of Uncertain Significance.

Ambry Genetics
Classification: Uncertain significance for Nephrolithiasis/nephrocalcinosis. Last evaluated: 2023-12-08. Review status: criteria provided, single submitter. Criteria: Ambry Variant Classification Scheme 2023. Collection method: clinical testing. Allele origin: germline.
Comment: The p.Q1001P variant (also known as c.3002A>C), located in coding exon 6 of the CASR gene, results from an A to C substitution at nucleotide position 3002. The glutamine at codon 1001 is replaced by proline, an amino acid with similar properties. This amino acid position is highly conserved in available vertebrate species. In addition, this alteration is predicted to be deleterious by in silico analysis. Since supporting evidence is limited at this time, the clinical significance of this alteration remains unclear.

NM_000388.4(CASR):c.3002A>C (p.Gln1001Pro)

Gene: CASR (calcium sensing receptor; plus strand). Cytogenetic location: 3q21.1.
Variant type: single nucleotide variant.
Coding change: c.3002A>C on transcript NM_000388.4 (MANE Select); coding-DNA position 3002, A replaced by C.
Protein change: p.Gln1001Pro; replaces glutamine 1001 with proline.
Molecular consequence: missense variant.
Genome position (GRCh38, 1-based): chr3:122,284,956, A>C. VCF-style: chr3-122284956-A-C. GRCh37 (hg19) VCF-style: chr3-122003803-A-C.
Other names: c.3032A>C, p.Gln1011Pro (NM_001178065.2); short protein forms Q1001P, Q1011P.
Identifiers: ClinVar variation 532582 (VCV000532582.12), dbSNP rs1176923284, ClinGen allele CA354161239.